The following is an entry in ClinVar:

NM_144999.4(LRRC45):c.98G>A (p.Gly33Asp)

Gene: LRRC45 (leucine rich repeat containing 45; plus strand). Cytogenetic location: 17q25.3.
Variant type: single nucleotide variant.
Coding change: c.98G>A on transcript NM_144999.4 (MANE Select); coding-DNA position 98, G replaced by A.
Protein change: p.Gly33Asp; replaces glycine 33 with aspartic acid.
Molecular consequence: missense variant.
Genome position (GRCh38, 1-based): chr17:82,023,741, G>A. VCF-style: chr17-82023741-G-A. GRCh37 (hg19) VCF-style: chr17-79981617-G-A.
Other names: short protein forms G33D.
Identifiers: ClinVar variation 4977907 (VCV004977907.1).

ClinVar aggregate classification (germline): Uncertain significance (1 of 4 stars; one submission).

Conditions:
LRRC45-related disorder. Also called: LRRC45-related condition.

Submission:

PreventionGenetics, part of Exact Sciences
Classification: Uncertain significance for LRRC45-related condition. Last evaluated: 2024-12-18. Review status: criteria provided, single submitter. Criteria: ACMG Guidelines, 2015. Collection method: clinical testing. Allele origin: germline.
Comment: The LRRC45 c.98G>A variant is predicted to result in the amino acid substitution p.Gly33Asp. To our knowledge, this variant has not been reported in the literature or in a large population database (gnomAD), indicating this variant is rare. At this time, the clinical significance of this variant is uncertain due to the absence of conclusive functional and genetic evidence.